The following is an entry in ClinVar:

ClinVar aggregate classification (germline): Uncertain significance (1 of 4 stars; one submission).

Conditions:
PCSK1-related disorder. Also called: PCSK1-related condition.

gnomAD v4.1: 47 of 1,613,946 alleles (0.0029%); highest among the groups gnomAD compares: South Asian, 0.0044%; no homozygotes.

Submission:

PreventionGenetics, part of Exact Sciences
Classification: Uncertain significance for PCSK1-related condition. Last evaluated: 2026-06-09. Review status: criteria provided, single submitter. Criteria: ACMG Guidelines, 2015. Collection method: clinical testing. Allele origin: germline.
Comment: The PCSK1 c.1823C>T variant is predicted to result in the amino acid substitution p.Thr608Met. This variant has been reported in an individual with a primary ovarian insufficiency phenotype, who was also positive for other variants of interest (Patient 17, Table 1, Patiño et al. 2017. PubMed ID: 28505269). This variant was also observed in a cohort of individuals with obesity, and in vitro functional studies showed function similar to wild-type levels (Supplemental Data Set, Shah et al. 2023. PubMed ID: 36864747). This variant is reported in 0.020% of alleles in individuals of Ashkenazi Jewish descent in gnomAD. At this time, the clinical significance of this variant is uncertain due to the absence of conclusive functional and genetic evidence.

NM_000439.5(PCSK1):c.1823C>T (p.Thr608Met)

Genes: CAST (calpastatin; plus strand), PCSK1 (proprotein convertase subtilisin/kexin type 1; minus strand), LOC101929710 (uncharacterized LOC101929710; plus strand). Cytogenetic location: 5q15.
Variant type: single nucleotide variant.
Coding change: c.1823C>T on transcript NM_000439.5 (MANE Select); coding-DNA position 1823, C replaced by T.
Protein change: p.Thr608Met; replaces threonine 608 with methionine.
Molecular consequence: missense variant. On other transcripts: intron variant (11).
Genome position (GRCh38, 1-based): chr5:96,394,925, G>A on the plus strand (C>T on the coding strand, the complement: PCSK1 is on the minus strand). VCF-style: chr5-96394925-G-A. GRCh37 (hg19) VCF-style: chr5-95730629-G-A.
Other names: c.-175+15273G>A (NM_001423259.1, NM_001423255.1, NM_001423250.1 and 6 more transcripts); c.-103+15273G>A (NM_001423253.1); c.-40+15273G>A (NM_001423258.1); c.1682C>T, p.Thr561Met (NM_001177875.2); short protein forms T561M, T608M.
Identifiers: ClinVar variation 3346064 (VCV003346064.2).
Genomic context (GRCh38, chr5:96,394,925, plus strand): 5'-TCCCCTGGATCCACCATCTTCTCCACCCCTCTTCTGTCATTCTGAACAGTGTTGTAGGAC[G>A]TGTACACACGAGGCTGCTTCATATGCTCTGGCTGAGAAGAGGTCCCGTGCAAAATCAGCT-3'
Protein context (NP_000430.3, residues 598-618): PEHMKQPRVY[Thr608Met]SYNTVQNDRR